The following is an entry in ClinVar:

ClinVar aggregate classification (germline): Likely benign (1 of 4 stars; one submission).

Conditions:
Atypical hemolytic-uremic syndrome. Identifiers: Orphanet 2134, MedGen C2931788, MONDO:0016244.

Submission:

Genomenon, Inc
Classification: Likely benign for Atypical hemolytic-uremic syndrome. Last evaluated: 2025-10-02. Review status: criteria provided, single submitter. Criteria: Genomenon Sequence Variant Interpretation Standards. Collection method: curation. Allele origin: germline. Affected: no.
Comment: CD46 p.Ala353= (c.1059C>T) is a synonymous variant that retains Alanine at residue 353. This variant has been reported in the published literature (PMID:36211394). It is absent or not present at a significant frequency in gnomAD. This synonymous variant is not predicted to impact splicing. In conclusion, we classify CD46 p.Ala353= (c.1059C>T) as a likely benign variant.

Literature cited by the submitters: PubMed 36211394.

NM_172351.3(CD46):c.1014C>T (p.Ala338=)

Gene: CD46 (CD46 molecule; plus strand). Cytogenetic location: 1q32.2.
Variant type: single nucleotide variant.
Coding change: c.1014C>T on transcript NM_172351.3 (MANE Select); coding-DNA position 1014, C replaced by T.
Protein change: p.Ala338=; no amino-acid change (alanine 338 retained).
Molecular consequence: synonymous variant.
Genome position (GRCh38, 1-based): chr1:207,785,102, C>T. VCF-style: chr1-207785102-C-T. GRCh37 (hg19) VCF-style: chr1-207958447-C-T.
Other names: c.1059C>T, p.Ala353= (NM_002389.4, NM_172359.3); c.1014C>T, p.Ala338= (NM_153826.4, NM_172358.3); c.969C>T, p.Ala323= (NM_172350.3, NM_172352.3, NM_172353.3); c.972C>T, p.Ala324= (NM_172355.3, NM_172356.3); c.927C>T, p.Ala309= (NM_172357.3, NM_172361.3).
Identifiers: ClinVar variation 4291215 (VCV004291215.1).